The following is an entry in ClinVar:

ClinVar aggregate classification (germline): Uncertain significance (1 of 4 stars; one submission).

Conditions:
Cardiovascular phenotype. Identifiers: MedGen CN230736.

Allele frequency attached by ClinVar (database versions not stated): gnomAD exomes below 0.00001; ExAC 0.00001.

Submission:

Ambry Genetics
Classification: Uncertain significance for Cardiovascular phenotype. Last evaluated: 2026-09-11. Review status: criteria provided, single submitter. Criteria: Ambry Variant Classification Scheme 2023. Collection method: clinical testing. Allele origin: germline.
Comment: The p.S359P variant (also known as c.1075T>C), located in coding exon 4 of the BAG3 gene, results from a T to C substitution at nucleotide position 1075. The serine at codon 359 is replaced by proline, an amino acid with similar properties. This amino acid position is conserved. In addition, this alteration is predicted to be tolerated by in silico analysis. Based on the available evidence, the clinical significance of this variant remains unclear.

NM_004281.4(BAG3):c.1075T>C (p.Ser359Pro)

Gene: BAG3 (BAG cochaperone 3; plus strand). Cytogenetic location: 10q26.11.
Variant type: single nucleotide variant.
Coding change: c.1075T>C on transcript NM_004281.4 (MANE Select); coding-DNA position 1075, T replaced by C.
Protein change: p.Ser359Pro; replaces serine 359 with proline.
Molecular consequence: missense variant.
Genome position (GRCh38, 1-based): chr10:119,676,629, T>C. VCF-style: chr10-119676629-T-C. GRCh37 (hg19) VCF-style: chr10-121436141-T-C.
Other names: short protein forms S359P.
Identifiers: ClinVar variation 2236611 (VCV002236611.3), dbSNP rs781293342, ClinGen allele CA5716480.